The following is an entry in ClinVar:

NM_001714.4(BICD1):c.1263G>C (p.Arg421Ser)

Gene: BICD1 (BICD cargo adaptor 1; plus strand). Cytogenetic location: 12p11.21.
Variant type: single nucleotide variant.
Coding change: c.1263G>C on transcript NM_001714.4 (MANE Select); coding-DNA position 1263, G replaced by C.
Protein change: p.Arg421Ser; replaces arginine 421 with serine.
Molecular consequence: missense variant. On other transcripts: non-coding transcript variant (1), intron variant (1).
Genome position (GRCh38, 1-based): chr12:32,327,718, G>C. VCF-style: chr12-32327718-G-C. GRCh37 (hg19) VCF-style: chr12-32480652-G-C.
Other names: c.1263G>C, p.Arg421Ser (NM_001003398.3, NM_001354186.2, NM_001354187.2 and 16 more transcripts); c.1296G>C, p.Arg432Ser (NM_001413168.1, NM_001413170.1); c.837G>C, p.Arg279Ser (NM_001413171.1); c.1006-6798G>C (NM_001413172.1); short protein forms R421S, R432S, R279S.
Identifiers: ClinVar variation 5001247 (VCV005001247.1).
Genomic context (GRCh38, chr12:32,327,718, plus strand): 5'-GGAGGCCCATGACTATGAGGTGGACATCAATGGTTTAGAGATCCTTGAATGCAAATACAG[G>C]GTGGCAGTAACTGAGGTGATTGATCTGAAAGCTGAAATTAAGGCCTTAAAGGAGAAATAT-3'
Protein context (NP_001705.2, residues 411-431): NGLEILECKY[Arg421Ser]VAVTEVIDLK

ClinVar aggregate classification (germline): Uncertain significance (1 of 4 stars; one submission).

Conditions:
BICD1-related condition.

gnomAD v4.1: 13 of 1,614,166 alleles (0.00081%); highest among the groups gnomAD compares: African/African-American, 0.0013%; no homozygotes.

Submission:

PreventionGenetics, part of Exact Sciences
Classification: Uncertain significance for BICD1-related condition. Last evaluated: 2024-12-17. Review status: criteria provided, single submitter. Criteria: ACMG Guidelines, 2015. Collection method: clinical testing. Allele origin: germline.
Comment: The BICD1 c.1263G>C variant is predicted to result in the amino acid substitution p.Arg421Ser. To our knowledge, this variant has not been reported in the literature. This variant is reported in 0.00088% of alleles in individuals of European (Non-Finnish) descent in gnomAD. At this time, the clinical significance of this variant is uncertain due to the absence of conclusive functional and genetic evidence.